The following is an entry in ClinVar:

NM_004082.5(DCTN1):c.1288-7_1289del

Gene: DCTN1 (dynactin subunit 1; minus strand). Cytogenetic location: 2p13.1.
Variant type: Deletion.
Coding change: c.1288-7_1289del on transcript NM_004082.5 (MANE Select); 7 bases into the intron before coding-DNA position 1288 through coding-DNA position 1289, 9 bases deleted (AACACAGGT; older notation c.1288-7_1289delAACACAGGT).
Molecular consequence: splice acceptor variant.
Genome position (GRCh38, 1-based): chr2:74,370,068-74,370,076, ACCTGTGTT deleted on the plus strand (AACACAGGT on the coding strand, the reverse complement: DCTN1 is on the minus strand); deleting any 9 consecutive bases within chr2:74,370,068-74,370,078 gives the same sequence; the c. name uses the placement nearest the transcript's 3' end. VCF-style (leftmost placement, unchanged base first): chr2-74370067-CACCTGTGTT-C. GRCh37 (hg19) VCF-style: chr2-74597194-CACCTGTGTT-C.
Other names: c.1177-7_1178del (NM_001190836.2); c.1219-7_1220del (NM_001378992.1); c.1237-7_1238del (NM_001378991.1); c.1228-7_1229del (NM_001135040.3); c.1267-7_1268del (NM_001190837.2); c.886-7_887del (NM_001135041.3, NM_023019.4).
Identifiers: ClinVar variation 1041586 (VCV001041586.7), dbSNP rs1674719585, ClinGen allele CA1261395126.

ClinVar aggregate classification (germline): Uncertain significance (1 of 4 stars; one submission).

Conditions:
Perry syndrome. Also called: PARKINSONISM WITH ALVEOLAR HYPOVENTILATION AND MENTAL DEPRESSION. Identifiers: Orphanet 178509, MedGen C1868594, MONDO:0008201, OMIM 168605.
Amyotrophic lateral sclerosis type 1 (ALS1). Also called: AMYOTROPHIC LATERAL SCLEROSIS 1, FAMILIAL. Identifiers: Orphanet 803, MedGen C1862939, MONDO:0007103, OMIM 105400.
Neuronopathy, distal hereditary motor, type 7B. Also called: NEURONOPATHY, DISTAL HEREDITARY MOTOR, AUTOSOMAL DOMINANT 14; NEURONOPATHY, DISTAL HEREDITARY MOTOR, HARDING TYPE VIIB; NEUROPATHY, DISTAL HEREDITARY MOTOR, HARDING TYPE VIIB; NEUROPATHY, DISTAL HEREDITARY MOTOR, WITH VOCAL CORD PARALYSIS, HARDING TYPE VIIB; HMN VIIB; LOWER MOTOR NEURON DISEASE, DYNACTIN TYPE. Identifiers: Orphanet 139589, MedGen C1843315, MONDO:0011879, OMIM 607641.

Submission:

Labcorp Genetics (formerly Invitae), Labcorp
Classification: Uncertain significance for Amyotrophic lateral sclerosis type 1; Neuronopathy, distal hereditary motor, type 7B; Perry syndrome. Last evaluated: 2020-05-23. Review status: criteria provided, single submitter. Criteria: Invitae Variant Classification Sherloc (09022015). Collection method: clinical testing. Allele origin: germline.
Comment: This variant results in the deletion of part of exon 13 (c.1288-7_1289del) of the DCTN1 gene. It is expected to disrupt RNA splicing and likely results in an absent or disrupted protein product. This variant is not present in population databases (ExAC no frequency). This variant has not been reported in the literature in individuals with DCTN1-related conditions. The current clinical and genetic evidence is not sufficient to establish whether loss-of-function variants in DCTN1 cause disease. In summary, the available evidence is currently insufficient to determine the role of this variant in disease. Therefore, it has been classified as a Variant of Uncertain Significance.